The following is an entry in ClinVar:

ClinVar aggregate classification (germline): Uncertain significance (1 of 4 stars; one submission).

Submission:

Ambry Genetics
Classification: Uncertain significance. Last evaluated: 2023-04-08. Review status: criteria provided, single submitter. Criteria: Ambry Variant Classification Scheme 2023. Collection method: clinical testing. Allele origin: germline.
Comment: The p.P910Q variant (also known as c.2729C>A), located in coding exon 13 of the NPAT gene, results from a C to A substitution at nucleotide position 2729. The proline at codon 910 is replaced by glutamine, an amino acid with similar properties. This amino acid position is conserved. In addition, the in silico prediction for this alteration is inconclusive. Since supporting evidence is limited at this time, the clinical significance of this alteration remains unclear.

NM_002519.3(NPAT):c.2729C>A (p.Pro910Gln)

Gene: NPAT (nuclear protein, coactivator of histone transcription; minus strand). Cytogenetic location: 11q22.3.
Variant type: single nucleotide variant.
Coding change: c.2729C>A on transcript NM_002519.3 (MANE Select); coding-DNA position 2729, C replaced by A.
Protein change: p.Pro910Gln; replaces proline 910 with glutamine.
Molecular consequence: missense variant.
Genome position (GRCh38, 1-based): chr11:108,172,255, G>T on the plus strand (C>A on the coding strand, the complement: NPAT is on the minus strand). VCF-style: chr11-108172255-G-T. GRCh37 (hg19) VCF-style: chr11-108042982-G-T.
Other names: c.2729C>A, p.Pro910Gln (NM_001321307.1); short protein forms P910Q.
Identifiers: ClinVar variation 2567970 (VCV002567970.2), dbSNP rs2496716195, ClinGen allele CA382512363.